The following is an entry in ClinVar:

ClinVar aggregate classification (germline): Uncertain significance. Review status: criteria provided, single submitter (1 of 4 stars). 2 submissions from 2 submitters: Uncertain significance (1). 1 of the submissions does not count toward it. Last evaluated 2026-01-25.

Conditions:
ADGRE2-related disorder. Also called: ADGRE2-related condition.

Allele frequency attached by ClinVar (database versions not stated): gnomAD 0.00035; 1000 Genomes Project 30x 0.00234; ExAC 0.00713.

Submissions (2):

Labcorp Genetics (formerly Invitae), Labcorp
Classification: Uncertain significance. Last evaluated: 2026-01-25. Review status: criteria provided, single submitter. Criteria: Invitae Variant Classification Sherloc (09022015). Collection method: clinical testing. Allele origin: germline.
Comment: This sequence change replaces aspartic acid, which is acidic and polar, with asparagine, which is neutral and polar, at codon 36 of the ADGRE2 protein (p.Asp36Asn). The frequency data for this variant in the population databases is considered unreliable, as metrics indicate poor data quality at this position in the gnomAD database. This variant has not been reported in the literature in individuals affected with ADGRE2-related conditions. ClinVar contains an entry for this variant (Variation ID: 2046282). An algorithm developed to predict the effect of missense changes on protein structure and function outputs the following: PolyPhen-2: "Benign". The asparagine amino acid residue is found in multiple mammalian species, which suggests that this missense change does not adversely affect protein function. In summary, the available evidence is currently insufficient to determine the role of this variant in disease. Therefore, it has been classified as a Variant of Uncertain Significance.

PreventionGenetics, part of Exact Sciences
Classification: Likely benign for ADGRE2-related condition. Last evaluated: 2019-11-01. Review status: no assertion criteria provided. Collection method: clinical testing. Allele origin: germline. Not counted in ClinVar's aggregate classification.
Comment: This variant is classified as likely benign based on ACMG/AMP sequence variant interpretation guidelines (Richards et al. 2015 PMID: 25741868, with internal and published modifications).

NM_013447.4(ADGRE2):c.106G>A (p.Asp36Asn)

Gene: ADGRE2 (adhesion G protein-coupled receptor E2; minus strand). Cytogenetic location: 19p13.12.
Variant type: single nucleotide variant.
Coding change: c.106G>A on transcript NM_013447.4 (MANE Select); coding-DNA position 106, G replaced by A.
Protein change: p.Asp36Asn; replaces aspartic acid 36 with asparagine.
Molecular consequence: missense variant.
Genome position (GRCh38, 1-based): chr19:14,774,031, C>T on the plus strand (G>A on the coding strand, the complement: ADGRE2 is on the minus strand). VCF-style: chr19-14774031-C-T. GRCh37 (hg19) VCF-style: chr19-14884843-C-T.
Other names: c.106G>A, p.Asp36Asn (NM_001271052.1, NM_152916.2, NM_152917.2); c.106G>A (NM_013447.3); short protein forms D36N.
Identifiers: ClinVar variation 2046282 (VCV002046282.6), dbSNP rs139612102, ClinGen allele CA9258303.
Genomic context (GRCh38, chr19:14,774,031, plus strand): 5'-CAGAAAAAGAGCTGAACCCTGGATTGCAGCGACAGGCGGTGGCATTGACACACGAGGAGT[C>T]CTGAGGGCACCACCGGGCACAGCCTGCAAGAGCAGGGAGCACGGTCAGAAGGTGAGGGGT-3'
Protein context (NP_038475.2, residues 26-46): SRGCARWCPQ[Asp36Asn]SSCVNATACR